The following is an entry in ClinVar:

ClinVar aggregate classification (germline): Pathogenic/Likely pathogenic. Review status: criteria provided, multiple submitters, no conflicts (2 of 4 stars). 2 submissions from 2 submitters: Pathogenic (1); Likely pathogenic (1). Last evaluated 2024-05-31.

Conditions:
Zellweger spectrum disorders (ZS). Also called: Zellweger syndrome; Zellweger Spectrum Disorder; Zellweger Spectrum; Zellweger Spectrum Disorder (ZSD). Identifiers: Orphanet 912, MedGen C0043459, MONDO:0019609.
Peroxisome biogenesis disorder. Identifiers: Orphanet 79189, MedGen C1832200, MONDO:0019234. Disease mechanism: loss of function.

Allele frequency attached by ClinVar (database versions not stated): gnomAD exomes below 0.00001.

Submissions (2):

Natera, Inc.
Classification: Likely pathogenic for Zellweger syndrome. Last evaluated: 2024-05-31. Review status: criteria provided, single submitter. Criteria: Natera Variant Classification Schema (03/2026). Collection method: clinical testing. Allele origin: germline.
Comment: The c.503_504delCA variant in PEX6 is a frameshift variant predicted to shift the reading frame beginning at codon 168 and leads to a stop codon 73 codons downstream. This variant is expected to result in nonsense mediated decay, truncation, or a dysfunctional protein product. This variant is rare in the general population with a frequency below the threshold expected for the associated phenotype(s). Given the available evidence, this variant is classified as Likely Pathogenic.

Labcorp Genetics (formerly Invitae), Labcorp
Classification: Pathogenic for Peroxisome biogenesis disorder. Last evaluated: 2024-02-13. Review status: criteria provided, single submitter. Criteria: Invitae Variant Classification Sherloc (09022015). Collection method: clinical testing. Allele origin: germline.
Comment: This sequence change creates a premature translational stop signal (p.Pro168Argfs*73) in the PEX6 gene. It is expected to result in an absent or disrupted protein product. Loss-of-function variants in PEX6 are known to be pathogenic (PMID: 10408779, 21031596, 31831025). This variant is not present in population databases (gnomAD no frequency). This variant has not been reported in the literature in individuals affected with PEX6-related conditions. For these reasons, this variant has been classified as Pathogenic.

Literature cited by the submitters: PubMed 10408779 (cited by Labcorp Genetics (formerly Invitae), Labcorp); PubMed 21031596 (cited by Labcorp Genetics (formerly Invitae), Labcorp); PubMed 31831025 (cited by Labcorp Genetics (formerly Invitae), Labcorp).

NM_000287.4(PEX6):c.503_504del (p.Pro168fs)

Gene: PEX6 (peroxisomal biogenesis factor 6; minus strand). Cytogenetic location: 6p21.1.
Variant type: Deletion.
Coding change: c.503_504del on transcript NM_000287.4 (MANE Select); coding-DNA positions 503 to 504, 2 bases deleted (CA; older notation c.503_504delCA).
Protein change: p.Pro168fs; shifts the reading frame from proline 168.
Molecular consequence: frameshift variant. On other transcripts: non-coding transcript variant (1).
Genome position (GRCh38, 1-based): chr6:42,978,647-42,978,648, TG deleted on the plus strand (CA on the coding strand, the reverse complement: PEX6 is on the minus strand). VCF-style (leftmost placement, unchanged base first): chr6-42978646-CTG-C. GRCh37 (hg19) VCF-style: chr6-42946384-CTG-C.
Other names: c.503_504del, p.Pro168fs (NM_001316313.2); c.503_504delCA (NM_000287.3); short protein forms P168fs.
Identifiers: ClinVar variation 2767094 (VCV002767094.4), dbSNP rs2481279008, ClinGen allele CA2578620822.
Genomic context (GRCh38, chr6:42,978,646, plus strand): 5'-CAGAAACCGCAAAGGAGGACACCACGGGCGGGGGTGGGGGCCGACTGCTGTCCCCAGACT[CTG>C]GACACAGTCTGGCCCGCCCGCGGAGCTCAGTCACAGCCAGCCGAGTCCCTGGGCCCAGCA-3'